The following is an entry in ClinVar:

NM_005148.4(UNC119):c.7del (p.Lys2_Val3insTer)

Genes: UNC119 (unc-119 lipid binding chaperone; minus strand), LOC130060555 (ATAC-STARR-seq lymphoblastoid silent region 8343; plus strand). Cytogenetic location: 17q11.2.
Variant type: Deletion.
Coding change: c.7del on transcript NM_005148.4 (MANE Select); coding-DNA position 7, one base deleted (G; older notation c.7delG).
Protein change: p.Lys2_Val3insTer.
Molecular consequence: nonsense. On other transcripts: 5 prime UTR variant (1).
Genome position (GRCh38, 1-based): chr17:28,552,551, C deleted on the plus strand (G on the coding strand, the reverse complement: UNC119 is on the minus strand); the first of 2 consecutive C bases (chr17:28,552,551-28,552,552); deleting either gives the same sequence. VCF-style (leftmost placement, unchanged base first): chr17-28552550-AC-A. GRCh37 (hg19) VCF-style: chr17-26879568-AC-A.
Other names: c.-307del (NM_001330166.2); c.7del, p.Lys2_Val3insTer (NM_054035.2); c.7delG (NM_005148.3).
Identifiers: ClinVar variation 933365 (VCV000933365.9), dbSNP rs762269105, ClinGen allele CA8459917.
Genomic context (GRCh38, chr17:28,552,550, plus strand): 5'-TGGCCCGAGGGCCCCGGAGCGGACTCCGTCGCCGTCCCGGCCCCACCGCCGCCCTTCTTC[AC>A]CTTCATGGCCTTGCGGGGCCGAGGCTCGCCTGCTGCTGCCGCCGCTGCCTGCGCCGGCTG-3'

ClinVar aggregate classification (germline): Uncertain significance. Review status: criteria provided, multiple submitters, no conflicts (2 of 4 stars). 3 submissions from 3 submitters: Uncertain significance (2). 1 of the submissions does not count toward it. Last evaluated 2024-10-17.

Conditions:
UNC119-related disorder. Also called: UNC119-related condition.
Cone-rod dystrophy 24 (CORD24). Identifiers: MedGen C5830446, MONDO:0957240, OMIM 620342.

Submissions (3):

3billion
Classification: Uncertain significance for Cone-rod dystrophy 24. Last evaluated: 2024-10-17. Review status: criteria provided, single submitter. Criteria: ACMG Guidelines, 2015. Collection method: clinical testing. Allele origin: germline. Affected: yes.
Comment: The variant is observed at an extremely low frequency in the gnomAD v4.1.0 dataset (total allele frequency: 0.003%). Predicted Consequence/Location: Stop-gained (nonsense): predicted to result in a loss or disruption of normal protein function through nonsense-mediated decay (NMD) or protein truncation. A pathogenic variant is reported downstream of the variant. The variant has been reported to be associated with UNC119-related disorder (PMID: 28005958; Clinvar: VCV000933365). However, the evidence of pathogenicity is insufficient at this time. Therefore, this variant is classified as VUS according to the recommendation of ACMG/AMP guideline.

Labcorp Genetics (formerly Invitae), Labcorp
Classification: Uncertain significance. Last evaluated: 2023-10-17. Review status: criteria provided, single submitter. Criteria: Invitae Variant Classification Sherloc (09022015). Collection method: clinical testing. Allele origin: germline.
Comment: This sequence change creates a premature translational stop signal (p.Val3*) in the UNC119 gene. It is expected to result in an absent or disrupted protein product. However, the current clinical and genetic evidence is not sufficient to establish whether loss-of-function variants in UNC119 cause disease. This variant is present in population databases (rs762269105, gnomAD 0.004%). This premature translational stop signal has been observed in individual(s) with autosomal dominant retinitis pigmentosa (PMID: 28005958). ClinVar contains an entry for this variant (Variation ID: 933365). In summary, the available evidence is currently insufficient to determine the role of this variant in disease. Therefore, it has been classified as a Variant of Uncertain Significance.

PreventionGenetics, part of Exact Sciences
Classification: Uncertain significance for UNC119-related condition. Last evaluated: 2024-08-26. Review status: no assertion criteria provided. Collection method: clinical testing. Allele origin: germline. Not counted in ClinVar's aggregate classification.
Comment: The UNC119 c.7delG variant is predicted to result in premature protein termination (p.Val3*). This variant was reported in an individual with retinitis pigmentosa (de Castro-Miró et al 2016. PubMed ID: 28005958). This variant is reported in 0.0057% of alleles in individuals of European (Non-Finnish) descent in gnomAD. Loss of function is not an established mechanism of UNC119-related disease. Although we suspect that this variant may be pathogenic, at this time, the clinical significance of this variant is uncertain due to the absence of conclusive functional and genetic evidence.

Literature cited by the submitters: PubMed 28005958 (cited by 3billion and Labcorp Genetics (formerly Invitae), Labcorp).